The following is an entry in ClinVar:

ClinVar aggregate classification (germline): Likely pathogenic (1 of 4 stars; one submission).

Submission:

Labcorp Genetics (formerly Invitae), Labcorp
Classification: Likely pathogenic. Last evaluated: 2023-08-09. Review status: criteria provided, single submitter. Criteria: Invitae Variant Classification Sherloc (09022015). Collection method: clinical testing. Allele origin: germline.
Comment: In summary, the currently available evidence indicates that the variant is pathogenic, but additional data are needed to prove that conclusively. Therefore, this variant has been classified as Likely Pathogenic. Algorithms developed to predict the effect of sequence changes on RNA splicing suggest that this variant may disrupt the consensus splice site. This variant has not been reported in the literature in individuals affected with DGAT1-related conditions. This variant is not present in population databases (gnomAD no frequency). This sequence change affects an acceptor splice site in intron 9 of the DGAT1 gene. It is expected to disrupt RNA splicing. Variants that disrupt the donor or acceptor splice site typically lead to a loss of protein function (PMID: 16199547), and loss-of-function variants in DGAT1 are known to be pathogenic (PMID: 29604290).

Literature cited by the submitters: PubMed 16199547; PubMed 29604290.

NM_012079.6(DGAT1):c.856-1G>C

Gene: DGAT1 (diacylglycerol O-acyltransferase 1; minus strand). Cytogenetic location: 8q24.3.
Variant type: single nucleotide variant.
Coding change: c.856-1G>C on transcript NM_012079.6 (MANE Select); the canonical splice acceptor site of the intron before coding-DNA position 856, G replaced by C.
Molecular consequence: splice acceptor variant.
Genome position (GRCh38, 1-based): chr8:144,317,823, C>G on the plus strand (G>C on the coding strand, the complement: DGAT1 is on the minus strand). VCF-style: chr8-144317823-C-G. GRCh37 (hg19) VCF-style: chr8-145541486-C-G.
Identifiers: ClinVar variation 2751373 (VCV002751373.3), dbSNP rs2488951760, ClinGen allele CA372610122.
Genomic context (GRCh38, chr8:144,317,823, plus strand): 5'-ACCCTGCCCTACCCCACTTACCTGCTGGATCAGCCCCACCTGGAGCTGGGTGAAGAACAG[C>G]TGGGGGGGAAACAGAGAGCAGCCAGCTGAGGCCCTGGCTAGCCAGAAGGCCCCCTAGCCT-3'